The following is an entry in ClinVar:

NM_181703.4(GJA5):c.377C>T (p.Pro126Leu)

Gene: GJA5 (gap junction protein alpha 5; minus strand). Cytogenetic location: 1q21.2.
Variant type: single nucleotide variant.
Coding change: c.377C>T on transcript NM_181703.4 (MANE Select); coding-DNA position 377, C replaced by T.
Protein change: p.Pro126Leu; replaces proline 126 with leucine.
Molecular consequence: missense variant.
Genome position (GRCh38, 1-based): chr1:147,758,862, G>A on the plus strand (C>T on the coding strand, the complement: GJA5 is on the minus strand). VCF-style: chr1-147758862-G-A. GRCh37 (hg19) VCF-style: chr1-147230970-G-A.
Other names: c.377C>T, p.Pro126Leu (NM_005266.7); short protein forms P126L.
Identifiers: ClinVar variation 876989 (VCV000876989.8), dbSNP rs782780433, ClinGen allele CA1065773.
Genomic context (GRCh38, chr1:147,758,862, plus strand): 5'-TGGAGGGCAATCCTTCCATTCCCTTCCTCCCAGCAGGACAGTTCTGCCTTCTCTGCCACC[G>A]GGTACTCGTAAGAGCCAGAGCCCCGGACCTCTTTGGCCCTCTCGGCCTCCCGTAGCTTGC-3'
Protein context (NP_859054.1, residues 116-136): EVRGSGSYEY[Pro126Leu]VAEKAELSCW

ClinVar aggregate classification (germline): Uncertain significance. Review status: criteria provided, multiple submitters, no conflicts (2 of 4 stars). 2 submissions from 2 submitters: Uncertain significance (2). Last evaluated 2025-05-26.

Conditions:
Atrial standstill 1 (ATRST1). Also called: ATRIAL CARDIOMYOPATHY WITH HEART BLOCK; CARDIOMYOPATHY, FAMILIAL, WITH CONDUCTION DISTURBANCE; Atrial standstill, digenic (GJA5/SCN5A). Identifiers: Orphanet 1344, MedGen C4551959, MONDO:0007171, OMIM 108770.
Atrial fibrillation, familial, 11 (ATFB11). Identifiers: MedGen C3279693, MONDO:0013544, OMIM 614049.

Allele frequency attached by ClinVar (database versions not stated): ExAC 0.00002; gnomAD exomes 0.00002 and 0.00003; gnomAD 0.00004; TOPMed 0.00005.
gnomAD v4.1: 53 of 1,614,048 alleles (0.0033%); highest among the groups gnomAD compares: Non-Finnish European, 0.0041%; no homozygotes.

Submissions (2):

Labcorp Genetics (formerly Invitae), Labcorp
Classification: Uncertain significance for Atrial fibrillation, familial, 11; Atrial standstill 1. Last evaluated: 2025-05-26. Review status: criteria provided, single submitter. Criteria: Invitae Variant Classification Sherloc (09022015). Collection method: clinical testing. Allele origin: germline.
Comment: This sequence change replaces proline, which is neutral and non-polar, with leucine, which is neutral and non-polar, at codon 126 of the GJA5 protein (p.Pro126Leu). This variant is present in population databases (rs782780433, gnomAD 0.008%). This variant has not been reported in the literature in individuals affected with GJA5-related conditions. ClinVar contains an entry for this variant (Variation ID: 876989). Invitae Evidence Modeling of protein sequence and biophysical properties (such as structural, functional, and spatial information, amino acid conservation, physicochemical variation, residue mobility, and thermodynamic stability) indicates that this missense variant is not expected to disrupt GJA5 protein function with a negative predictive value of 80%. In summary, the available evidence is currently insufficient to determine the role of this variant in disease. Therefore, it has been classified as a Variant of Uncertain Significance.

Illumina Laboratory Services, Illumina
Classification: Uncertain significance for Atrial fibrillation, familial, 11. Last evaluated: 2017-04-27. Review status: criteria provided, single submitter. Criteria: ICSL Variant Classification Criteria 13 December 2019. Collection method: clinical testing. Allele origin: germline.
Comment: This variant was observed as part of a predisposition screen in an ostensibly healthy population. A literature search was performed for the gene, cDNA change, and amino acid change (where applicable). Publications were found based on this search. However, the evidence from the literature, in combination with allele frequency data from public databases where available, was not sufficient to rule this variant in or out of causing disease. Therefore, this variant is classified as a variant of unknown significance.

Literature cited by the submitters: PubMed 16790700 (cited by Illumina Laboratory Services, Illumina).